The following is an entry in ClinVar:

NM_001378615.1(CC2D2A):c.62delinsTC (p.Asp21fs)

Genes: CC2D2A (coiled-coil and C2 domain containing 2A; plus strand), FBXL5 (F-box and leucine rich repeat protein 5; minus strand). Cytogenetic location: 4p15.32.
Variant type: Indel.
Coding change: c.62delinsTC on transcript NM_001378615.1 (MANE Select); coding-DNA position 62, A replaced by TC.
Protein change: p.Asp21fs; shifts the reading frame from aspartic acid 21.
Molecular consequence: frameshift variant.
Genome position (GRCh38, 1-based): chr4:15,478,745, A replaced by TC. VCF-style: chr4-15478745-A-TC. GRCh37 (hg19) VCF-style: chr4-15480369-A-TC.
Other names: c.62delAinsTC (NM_001080522.2); c.62delinsTC, p.Asp21fs (NM_001080522.2, NM_001164720.3, NM_020785.2); short protein forms D21fs.
Identifiers: ClinVar variation 817142 (VCV000817142.1), dbSNP rs1577309042, ClinGen allele CA915943041.

ClinVar aggregate classification (germline): Likely pathogenic (1 of 4 stars; one submission).

Submission:

GeneDx
Classification: Likely pathogenic. Last evaluated: 2018-07-10. Review status: criteria provided, single submitter. Criteria: GeneDx Variant Classification (06012015). Collection method: clinical testing. Allele origin: germline. Affected: yes.
Comment: A variant that is likely pathogenic has been identified in the CC2D2A gene. The c.62delAinsTC variant has not been published as a pathogenic variant, nor has it been reported as a benign variant to our knowledge. The c.62delAinsTC variant causes a frameshift starting with codon Aspartate 21, changes this amino acid to a Valine residue and creates a premature Stop codon at position 9 of the new reading frame, denoted p.Asp21ValfsX9. This variant is predicted to cause loss of normal protein function either through protein truncation or nonsense-mediated mRNA decay. The c.62delAinsTC variant is not observed in large population cohorts (Lek et al., 2016). Therefore, this variant is likely pathogenic; however, the possibility that it is benign cannot be excluded.